The following is an entry in ClinVar:

ClinVar aggregate classification (germline): Conflicting classifications of pathogenicity. Review status: criteria provided, conflicting classifications (1 of 4 stars). 3 submissions from 3 submitters: Likely pathogenic (1); Uncertain significance (1). 1 of the submissions does not count toward it. Last evaluated 2025-01-10.

Conditions:
Shwachman syndrome. Also called: Shwachman-Diamond Syndrome; PANCREATIC INSUFFICIENCY AND BONE MARROW DYSFUNCTION; SHWACHMAN-BODIAN SYNDROME. Identifiers: Orphanet 811, MedGen C0272170, MONDO:0009833.
Shwachman-Diamond syndrome 2. Identifiers: MedGen C4693704, MONDO:0044205, OMIM 617941.

Allele frequency attached by ClinVar (database versions not stated): gnomAD exomes 0.00001.
gnomAD v4.1: 7 of 1,609,316 alleles (0.00043%); highest among the groups gnomAD compares: Non-Finnish European, 0.00059%; no homozygotes.

Submissions (3):

Broad Center for Mendelian Genomics, Broad Institute of MIT and Harvard
Classification: Uncertain significance for Shwachman syndrome. Last evaluated: 2025-01-10. Review status: criteria provided, single submitter. Criteria: ACMG Guidelines, 2015. Collection method: curation. Allele origin: germline. Inheritance: Autosomal recessive inheritance.
Comment: The p.Thr127Ala variant in EFL1 has been reported, in the homozygous state, in 1 individual with Shwachman-Diamond syndrome (PMID: 29970384), and has been identified in 0.0006% (7/1110828) of European (non-Finnish) chromosomes by the Genome Aggregation Database (gnomAD; dbSNP rs1441937959). Although this variant has been seen in the general population in a heterozygous state, its frequency is low enough to be consistent with a recessive carrier frequency. This variant has also been reported in ClinVar (Variation ID: 522819) and has been interpreted as likely pathogenic by Undiagnosed Diseases Network (NIH) and pathogenic by OMIM. Computational prediction tools and conservation analyses suggest that this variant may impact the protein, though this information is not predictive enough to determine pathogenicity. Furthermore, although this gene has been reported in association with Shwachman-Diamond syndrome, it currently has moderate evidence for these associations. In summary, the clinical significance of the p.Thr127Ala variant is uncertain.

Undiagnosed Diseases Network, NIH
Classification: Likely pathogenic for Shwachman-Diamond syndrome 2. Last evaluated: 2018-01-18. Review status: criteria provided, single submitter. Criteria: ACMG Guidelines, 2015. Collection method: research. Allele origin: inherited. Inheritance: Autosomal recessive inheritance. Affected: yes. Observed: 3 variant alleles, 2 heterozygotes, 1 homozygote. Clinical features observed: Thrombocytopenia (HP:0001873), Spondylometaphyseal dysplasia (HP:0002657), Specific learning disability (HP:0001328), Small for gestational age (HP:0001518), Short stature (HP:0004322), Scoliosis (HP:0002650), Pancytopenia (HP:0001876), Myopia (HP:0000545), Hypercalciuria (HP:0002150), Hematuria (HP:0000790), Headache (HP:0002315), Growth delay (HP:0001510), and 6 more. Study: Undiagnosed Diseases Network (NIH), UDN.

OMIM
Classification: Pathogenic for SHWACHMAN-DIAMOND SYNDROME 2. Last evaluated: 2022-04-18. Review status: no assertion criteria provided. Collection method: literature only. Allele origin: germline. Not counted in ClinVar's aggregate classification.

Literature cited by the submitters: PubMed 29970384 (cited by OMIM).

NM_024580.6(EFL1):c.379A>G (p.Thr127Ala)

Gene: EFL1 (elongation factor like GTPase 1; minus strand). Cytogenetic location: 15q25.2.
Variant type: single nucleotide variant.
Coding change: c.379A>G on transcript NM_024580.6 (MANE Select); coding-DNA position 379, A replaced by G.
Protein change: p.Thr127Ala; replaces threonine 127 with alanine.
Molecular consequence: missense variant. On other transcripts: 5 prime UTR variant (1), non-coding transcript variant (1).
Genome position (GRCh38, 1-based): chr15:82,240,555, T>C on the plus strand (A>G on the coding strand, the complement: EFL1 is on the minus strand). VCF-style: chr15-82240555-T-C. GRCh37 (hg19) VCF-style: chr15-82532896-T-C.
Other names: NM_024580.6(EFL1):c.379A>G; c.226A>G, p.Thr76Ala (NM_001040610.3); c.-411A>G (NM_001322844.2); c.379A>G, p.Thr127Ala (NM_001322845.2); short protein forms T127A, T76A.
Identifiers: ClinVar variation 522819 (VCV000522819.5), dbSNP rs1441937959, ClinGen allele CA393282158.